The following is an entry in ClinVar:

ClinVar aggregate classification (germline): Uncertain significance. Review status: criteria provided, multiple submitters, no conflicts (2 of 4 stars). 4 submissions from 4 submitters: Uncertain significance (4). Last evaluated 2025-11-26.

Conditions:
Inborn genetic diseases. Identifiers: MedGen C0950123, MeSH D030342.
Inflammatory bowel disease 28. Also called: Inflammatory bowel disease 28, early onset, autosomal recessive. Identifiers: Orphanet 238569, MedGen C2751053, MONDO:0013153, OMIM 613148.

Allele frequency attached by ClinVar (database versions not stated): ExAC 0.00003; gnomAD 0.00006 and 0.00007; gnomAD exomes 0.00006 and 0.00009; ESP Exome Variant Server 0.00008; TOPMed 0.00010; 1000 Genomes Project 30x 0.00031; 1000 Genomes Project 0.00040.

Submissions (4):

Ambry Genetics
Classification: Uncertain significance for Inborn genetic diseases. Last evaluated: 2025-11-26. Review status: criteria provided, single submitter. Criteria: Ambry Variant Classification Scheme 2023. Collection method: clinical testing. Allele origin: germline.

Labcorp Genetics (formerly Invitae), Labcorp
Classification: Uncertain significance for Inflammatory bowel disease 28. Last evaluated: 2022-10-05. Review status: criteria provided, single submitter. Criteria: Invitae Variant Classification Sherloc (09022015). Collection method: clinical testing. Allele origin: germline.
Comment: This sequence change replaces threonine, which is neutral and polar, with methionine, which is neutral and non-polar, at codon 513 of the IL10RA protein (p.Thr513Met). This variant is present in population databases (rs370255112, gnomAD 0.02%). This variant has not been reported in the literature in individuals affected with IL10RA-related conditions. ClinVar contains an entry for this variant (Variation ID: 653730). Advanced modeling of protein sequence and biophysical properties (such as structural, functional, and spatial information, amino acid conservation, physicochemical variation, residue mobility, and thermodynamic stability) performed at Invitae indicates that this missense variant is not expected to disrupt IL10RA protein function. In summary, the available evidence is currently insufficient to determine the role of this variant in disease. Therefore, it has been classified as a Variant of Uncertain Significance.

Mayo Clinic Laboratories, Mayo Clinic
Classification: Uncertain significance. Last evaluated: 2022-02-10. Review status: criteria provided, single submitter. Criteria: ACMG Guidelines, 2015. Collection method: clinical testing. Allele origin: germline. Observed: 1 variant allele.
Comment: BP4

Illumina Laboratory Services, Illumina
Classification: Uncertain significance for Inflammatory bowel disease 28. Last evaluated: 2018-01-12. Review status: criteria provided, single submitter. Criteria: ICSL Variant Classification Criteria 13 December 2019. Collection method: clinical testing. Allele origin: germline.

NM_001558.4(IL10RA):c.1538C>T (p.Thr513Met)

Gene: IL10RA (interleukin 10 receptor subunit alpha; plus strand). Cytogenetic location: 11q23.3.
Variant type: single nucleotide variant.
Coding change: c.1538C>T on transcript NM_001558.4 (MANE Select); coding-DNA position 1538, C replaced by T.
Protein change: p.Thr513Met; replaces threonine 513 with methionine.
Molecular consequence: missense variant. On other transcripts: non-coding transcript variant (1).
Genome position (GRCh38, 1-based): chr11:117,999,442, C>T. VCF-style: chr11-117999442-C-T. GRCh37 (hg19) VCF-style: chr11-117870157-C-T.
Other names: p.Thr513Met; short protein forms T513M.
Identifiers: ClinVar variation 653730 (VCV000653730.13), dbSNP rs370255112, ClinGen allele CA6299204.
Genomic context (GRCh38, chr11:117,999,442, plus strand): 5'-CCAAGGGCTATTTGAAACAGGATCCTCTAGAAATGACTCTGGCTTCCTCAGGGGCCCCAA[C>T]GGGACAGTGGAACCAGCCCACTGAGGAATGGTCACTCCTGGCCTTGAGCAGCTGCAGTGA-3'
Protein context (NP_001549.2, residues 503-523): EMTLASSGAP[Thr513Met]GQWNQPTEEW